The following is an entry in ClinVar:

ClinVar aggregate classification (germline): Uncertain significance. Review status: criteria provided, multiple submitters, no conflicts (2 of 4 stars). 2 submissions from 2 submitters: Uncertain significance (2). Last evaluated 2025-05-22.

Conditions:
Hereditary cancer-predisposing syndrome. Also called: Neoplastic Syndromes, Hereditary; Hereditary Cancer Syndrome; Tumor predisposition; Hereditary neoplastic syndrome. Identifiers: Orphanet 140162, MedGen C0027672, MeSH D009386, MONDO:0015356.
Rhabdoid tumor predisposition syndrome 2 (RTPS2). Identifiers: Orphanet 231108, Orphanet 69077, MedGen C2750074, MONDO:0013224, OMIM 613325.

Submissions (2):

Ambry Genetics
Classification: Uncertain significance for Hereditary cancer-predisposing syndrome. Last evaluated: 2025-05-22. Review status: criteria provided, single submitter. Criteria: Ambry Variant Classification Scheme 2023. Collection method: clinical testing. Allele origin: germline.
Comment: The p.P339L variant (also known as c.1016C>T), located in coding exon 5 of the SMARCA4 gene, results from a C to T substitution at nucleotide position 1016. The proline at codon 339 is replaced by leucine, an amino acid with similar properties. This amino acid position is well conserved in available vertebrate species. In addition, the in silico prediction for this alteration is inconclusive. Based on the available evidence, the clinical significance of this variant remains unclear.

Labcorp Genetics (formerly Invitae), Labcorp
Classification: Uncertain significance for Rhabdoid tumor predisposition syndrome 2. Last evaluated: 2023-02-11. Review status: criteria provided, single submitter. Criteria: Invitae Variant Classification Sherloc (09022015). Collection method: clinical testing. Allele origin: germline.
Comment: This variant is not present in population databases (gnomAD no frequency). This sequence change replaces proline, which is neutral and non-polar, with leucine, which is neutral and non-polar, at codon 339 of the SMARCA4 protein (p.Pro339Leu). This variant has not been reported in the literature in individuals affected with SMARCA4-related conditions. ClinVar contains an entry for this variant (Variation ID: 1038375). Advanced modeling of protein sequence and biophysical properties (such as structural, functional, and spatial information, amino acid conservation, physicochemical variation, residue mobility, and thermodynamic stability) performed at Invitae indicates that this missense variant is not expected to disrupt SMARCA4 protein function. In summary, the available evidence is currently insufficient to determine the role of this variant in disease. Therefore, it has been classified as a Variant of Uncertain Significance.

NM_003072.5(SMARCA4):c.1016C>T (p.Pro339Leu)

Gene: SMARCA4 (SWI/SNF related BAF chromatin remodeling complex subunit ATPase 4; plus strand). Cytogenetic location: 19p13.2.
Variant type: single nucleotide variant.
Coding change: c.1016C>T on transcript NM_003072.5 (MANE Select); coding-DNA position 1016, C replaced by T.
Protein change: p.Pro339Leu; replaces proline 339 with leucine.
Molecular consequence: missense variant. On other transcripts: non-coding transcript variant (1).
Genome position (GRCh38, 1-based): chr19:10,987,822, C>T. VCF-style: chr19-10987822-C-T. GRCh37 (hg19) VCF-style: chr19-11098498-C-T.
Other names: c.1016C>T (NM_001128849.1); c.1016C>T, p.Pro339Leu (NM_001128844.3, NM_001128845.2, NM_001128846.2 and 5 more transcripts); short protein forms P339L.
Identifiers: ClinVar variation 1038375 (VCV001038375.11), dbSNP rs554354092, ClinGen allele CA404058641.